The following is an entry in ClinVar:

NM_015021.3(ZNF292):c.2819A>T (p.Lys940Met)

Gene: ZNF292 (zinc finger protein 292; plus strand). Cytogenetic location: 6q14.3.
Variant type: single nucleotide variant.
Coding change: c.2819A>T on transcript NM_015021.3 (MANE Select); coding-DNA position 2819, A replaced by T.
Protein change: p.Lys940Met; replaces lysine 940 with methionine.
Molecular consequence: missense variant.
Genome position (GRCh38, 1-based): chr6:87,256,448, A>T. VCF-style: chr6-87256448-A-T. GRCh37 (hg19) VCF-style: chr6-87966166-A-T.
Other names: c.2399A>T, p.Lys800Met (NM_001351444.2); short protein forms K800M, K940M.
Identifiers: ClinVar variation 5017626 (VCV005017626.1).

ClinVar aggregate classification (germline): Uncertain significance (1 of 4 stars; one submission).

Submission:

GeneDx
Classification: Uncertain significance. Last evaluated: 2026-03-26. Review status: criteria provided, single submitter. Criteria: GeneDx Variant Classification Process June 2021. Collection method: clinical testing. Allele origin: germline.
Comment: Not observed at significant frequency in large population cohorts (gnomAD); In silico analysis suggests that this missense variant does not alter protein structure/function; Has not been previously published as pathogenic or benign to our knowledge